The following is an entry in ClinVar:

NM_014915.3(ANKRD26):c.1586C>T (p.Ala529Val)

Gene: ANKRD26 (ankyrin repeat domain 26; minus strand). Cytogenetic location: 10p12.1.
Variant type: single nucleotide variant.
Coding change: c.1586C>T on transcript NM_014915.3 (MANE Select); coding-DNA position 1586, C replaced by T.
Protein change: p.Ala529Val; replaces alanine 529 with valine.
Molecular consequence: missense variant.
Genome position (GRCh38, 1-based): chr10:27,053,369, G>A on the plus strand (C>T on the coding strand, the complement: ANKRD26 is on the minus strand). VCF-style: chr10-27053369-G-A. GRCh37 (hg19) VCF-style: chr10-27342298-G-A.
Other names: c.1586C>T, p.Ala529Val (NM_001256053.2); short protein forms A529V.
Identifiers: ClinVar variation 4859681 (VCV004859681.1).

ClinVar aggregate classification (germline): Uncertain significance (1 of 4 stars; one submission).

Conditions:
Inborn genetic diseases. Identifiers: MedGen C0950123, MeSH D030342.

Submission:

Ambry Genetics
Classification: Uncertain significance for Inborn genetic diseases. Last evaluated: 2026-05-14. Review status: criteria provided, single submitter. Criteria: Ambry Variant Classification Scheme 2023. Collection method: clinical testing. Allele origin: germline.
Comment: The p.A529V variant (also known as c.1586C>T), located in coding exon 16 of the ANKRD26 gene, results from a C to T substitution at nucleotide position 1586. The alanine at codon 529 is replaced by valine, an amino acid with similar properties. This amino acid position is conserved. In addition, this alteration is predicted to be tolerated by in silico analysis. Based on the available evidence, the clinical significance of this variant remains unclear.